The following is an entry in ClinVar:

NM_002968.3(SALL1):c.1374del (p.Phe458fs)

Gene: SALL1 (spalt like transcription factor 1; minus strand). Cytogenetic location: 16q12.1.
Variant type: Deletion.
Coding change: c.1374del on transcript NM_002968.3 (MANE Select); coding-DNA position 1374, one base deleted (T; older notation c.1374delT).
Protein change: p.Phe458fs; shifts the reading frame from phenylalanine 458.
Molecular consequence: frameshift variant.
Genome position (GRCh38, 1-based): chr16:51,140,848, A deleted on the plus strand (T on the coding strand, the reverse complement: SALL1 is on the minus strand); the first of 3 consecutive A bases (chr16:51,140,848-51,140,850); deleting any one gives the same sequence. VCF-style (leftmost placement, unchanged base first): chr16-51140847-CA-C. GRCh37 (hg19) VCF-style: chr16-51174758-CA-C.
Other names: c.1083del, p.Phe361fs (NM_001127892.2); short protein forms F458fs, F361fs.
Identifiers: ClinVar variation 4710263 (VCV004710263.1).

ClinVar aggregate classification (germline): Pathogenic (1 of 4 stars; one submission).

Conditions:
Townes syndrome (TBS). Also called: Townes-Brocks syndrome. Identifiers: Orphanet 857, MedGen C0265246, MeSH C536974, MONDO:0007142.

Submission:

Labcorp Genetics (formerly Invitae), Labcorp
Classification: Pathogenic for Townes syndrome. Last evaluated: 2025-11-24. Review status: criteria provided, single submitter. Criteria: Invitae Variant Classification Sherloc (09022015). Collection method: clinical testing. Allele origin: germline.
Comment: This sequence change creates a premature translational stop signal (p.Phe458Leufs*35) in the SALL1 gene. It is expected to result in an absent or disrupted protein product. Loss-of-function variants in SALL1 are known to be pathogenic (PMID: 9973281, 12915476, 16088922, 23069192). This variant is not present in population databases (gnomAD no frequency). This premature translational stop signal has been observed in individual(s) with clinical features of Townes-Brocks syndrome (PMID: 16088922). For these reasons, this variant has been classified as Pathogenic.

Literature cited by the submitters: PubMed 9973281; PubMed 12915476; PubMed 16088922; PubMed 23069192.